The following is an entry in ClinVar:

ClinVar aggregate classification (germline): Likely benign. Review status: criteria provided, single submitter (1 of 4 stars). 2 submissions from 2 submitters: Likely benign (1). 1 of the submissions does not count toward it. Last evaluated 2018-06-18.

Conditions:
Hereditary cancer-predisposing syndrome. Also called: Tumor predisposition; Hereditary neoplastic syndrome; Neoplastic Syndromes, Hereditary; Hereditary Cancer Syndrome. Identifiers: Orphanet 140162, MedGen C0027672, MeSH D009386, MONDO:0015356.

Allele frequency attached by ClinVar (database versions not stated): gnomAD 0.00827 and 0.00882; TOPMed 0.00925; 1000 Genomes Project 0.00978; 1000 Genomes Project 30x 0.01031.
gnomAD v4.1: 1,249 of 152,206 alleles (0.82%); highest among the groups gnomAD compares: African/African-American, 2.8%; 16 homozygotes.

Submissions (2):

GeneDx
Classification: Likely benign. Last evaluated: 2018-06-18. Review status: criteria provided, single submitter. Criteria: GeneDx Variant Classification (06012015). Collection method: clinical testing. Allele origin: germline. Affected: yes.
Comment: This variant is considered likely benign or benign based on one or more of the following criteria: it is a conservative change, it occurs at a poorly conserved position in the protein, it is predicted to be benign by multiple in silico algorithms, and/or has population frequency not consistent with disease.

University of Washington Department of Laboratory Medicine, University of Washington
Classification: Likely benign for Hereditary cancer-predisposing syndrome. Last evaluated: 2015-12-01. Review status: no assertion criteria provided. Collection method: clinical testing. Allele origin: germline. Affected: yes. Not counted in ClinVar's aggregate classification.

NM_000038.6(APC):c.729+183C>T

Gene: APC (APC regulator of Wnt signaling pathway; plus strand). Cytogenetic location: 5q22.2.
Variant type: single nucleotide variant.
Coding change: c.729+183C>T on transcript NM_000038.6 (MANE Select); 183 bases into the intron after coding-DNA position 729, C replaced by T.
Molecular consequence: intron variant.
Genome position (GRCh38, 1-based): chr5:112,792,712, C>T. VCF-style: chr5-112792712-C-T. GRCh37 (hg19) VCF-style: chr5-112128409-C-T.
Other names: c.729+183C>T (NM_001354895.2, NM_001127510.3, NM_001354896.2 and 1 more transcripts); c.759+183C>T (NM_001354897.2, NM_001354902.2); c.676-8567C>T (NM_001127511.3); c.654+183C>T (NM_001354898.2, NM_001354904.2); c.-307+183C>T (NM_001354906.2); c.646-8567C>T (NM_001354899.2); c.552+183C>T (NM_001354900.2, NM_001354901.2, NM_001354905.2).
Identifiers: ClinVar variation 223403 (VCV000223403.3), dbSNP rs58529934, ClinGen allele CA250474.